The following is an entry in ClinVar:

NM_182919.4(TICAM1):c.1237C>T (p.Arg413Trp)

Gene: TICAM1 (TIR domain containing adaptor molecule 1; minus strand). Cytogenetic location: 19p13.3.
Variant type: single nucleotide variant.
Coding change: c.1237C>T on transcript NM_182919.4 (MANE Select); coding-DNA position 1237, C replaced by T.
Protein change: p.Arg413Trp; replaces arginine 413 with tryptophan.
Molecular consequence: missense variant.
Genome position (GRCh38, 1-based): chr19:4,817,141, G>A on the plus strand (C>T on the coding strand, the complement: TICAM1 is on the minus strand). VCF-style: chr19-4817141-G-A. GRCh37 (hg19) VCF-style: chr19-4817153-G-A.
Other names: c.1195C>T, p.Arg399Trp (NM_001385678.1); c.1102C>T, p.Arg368Trp (NM_001385679.1); c.595C>T, p.Arg199Trp (NM_001385680.1); short protein forms R399W, R199W, R368W, R413W.
Identifiers: ClinVar variation 1439339 (VCV001439339.6), dbSNP rs2093587484, ClinGen allele CA403490421.

ClinVar aggregate classification (germline): Uncertain significance (1 of 4 stars; one submission).

Conditions:
Encephalopathy, acute, infection-induced (herpes-specific), susceptibility to, 6. Also called: Herpes simplex encephalitis, susceptibility to, 4. Identifiers: Orphanet 1930, MedGen C3553869, MONDO:0013921, OMIM 614850.

Allele frequency attached by ClinVar (database versions not stated): gnomAD 0.00001; TOPMed 0.00001.

Submission:

Labcorp Genetics (formerly Invitae), Labcorp
Classification: Uncertain significance for Encephalopathy, acute, infection-induced (herpes-specific), susceptibility to, 6. Last evaluated: 2022-06-13. Review status: criteria provided, single submitter. Criteria: Invitae Variant Classification Sherloc (09022015). Collection method: clinical testing. Allele origin: germline.
Comment: This sequence change replaces arginine, which is basic and polar, with tryptophan, which is neutral and slightly polar, at codon 413 of the TICAM1 protein (p.Arg413Trp). This variant is not present in population databases (gnomAD no frequency). This variant has not been reported in the literature in individuals affected with TICAM1-related conditions. Algorithms developed to predict the effect of missense changes on protein structure and function (SIFT, PolyPhen-2, Align-GVGD) all suggest that this variant is likely to be disruptive. In summary, the available evidence is currently insufficient to determine the role of this variant in disease. Therefore, it has been classified as a Variant of Uncertain Significance.